The following is an entry in ClinVar:

NM_000218.3(KCNQ1):c.387-7C>T

Gene: KCNQ1 (potassium voltage-gated channel subfamily Q member 1; plus strand). Cytogenetic location: 11p15.5.
Variant type: single nucleotide variant.
Coding change: c.387-7C>T on transcript NM_000218.3 (MANE Select); 7 bases into the intron before coding-DNA position 387, C replaced by T.
Molecular consequence: intron variant.
Genome position (GRCh38, 1-based): chr11:2,527,921, C>T. VCF-style: chr11-2527921-C-T. GRCh37 (hg19) VCF-style: chr11-2549151-C-T.
Other names: p.?; c.117-7C>T (NM_001406837.1); c.387-7C>T (NM_001406836.1, NM_001406838.1); c.6-7C>T (NM_181798.2).
Identifiers: ClinVar variation 304216 (VCV000304216.46), dbSNP rs201682200, ClinGen allele CA036922.
Genomic context (GRCh38, chr11:2,527,921, plus strand): 5'-ACTCCCCAGGTGCATCTGTGGGATGGGCAGAGGCCGTGATGCTGACTGCCGTGTCCCTGT[C>T]TTGCAGCTTCCTCATCGTCCTGGTCTGCCTCATCTTCAGCGTGCTGTCCACCATCGAGCA-3'

ClinVar aggregate classification (germline): Conflicting classifications of pathogenicity. Review status: criteria provided, conflicting classifications (1 of 4 stars). 11 submissions from 8 submitters: Uncertain significance (3); Benign (1); Likely benign (7). Last evaluated 2025-12-23.

Conditions:
Long QT syndrome (LQTS). Identifiers: MedGen C0023976, MeSH D008133, MONDO:0002442. Disease mechanism: loss of function. Inheritance: Various modes of inheritance.
Cardiac arrhythmia. Also called: Arrhythmia; Cardiac rhythm disease. Identifiers: MedGen C0003811, MONDO:0007263, HP:0011675.
Short QT syndrome type 2. Identifiers: Orphanet 51083, MedGen C1865019, MONDO:0012313, OMIM 609621.
Long QT syndrome 1 (LQT1). Identifiers: Orphanet 101016, Orphanet 768, MedGen C4551647, MONDO:0100316, OMIM 192500, MONDO:0008646.
Jervell and Lange-Nielsen syndrome 1 (JLNS1). Also called: PROLONGED QT INTERVAL IN EKG AND SUDDEN DEATH; CARDIOAUDITORY SYNDROME OF JERVELL AND LANGE-NIELSEN; DEAFNESS, CONGENITAL, AND FUNCTIONAL HEART DISEASE; SURDO-CARDIAC SYNDROME. Identifiers: Orphanet 768, Orphanet 90647, MedGen C4551509, MONDO:0024540, OMIM 220400.
Atrial fibrillation, familial, 3 (ATFB3). Identifiers: MedGen C1837014, MONDO:0011857, OMIM 607554.

Allele frequency attached by ClinVar (database versions not stated): gnomAD 0.00007 and 0.00008; gnomAD exomes 0.00007 and 0.00016; TOPMed 0.00009; ExAC 0.00012; ESP Exome Variant Server 0.00023.
gnomAD v4.1: 132 of 1,613,642 alleles (0.0082%); highest among the groups gnomAD compares: Non-Finnish European, 0.00076%; no homozygotes.

Submissions (11):

Labcorp Genetics (formerly Invitae), Labcorp
Classification: Likely benign for Long QT syndrome. Last evaluated: 2025-12-23. Review status: criteria provided, single submitter. Criteria: Invitae Variant Classification Sherloc (09022015). Collection method: clinical testing. Allele origin: germline.

Mayo Clinic Laboratories, Mayo Clinic
Classification: Likely benign. Last evaluated: 2024-11-26. Review status: criteria provided, single submitter. Criteria: ACMG Guidelines, 2015. Collection method: clinical testing. Allele origin: germline. Observed: 1 variant allele.
Comment: BP4, BP7

Blueprint Genetics
Classification: Likely benign. Last evaluated: 2024-04-25. Review status: criteria provided, single submitter. Criteria: ACMG Guidelines, 2015. Collection method: clinical testing. Allele origin: germline.

All of Us Research Program, National Institutes of Health
Classification: Likely benign for Long QT syndrome. Last evaluated: 2024-01-11. Review status: criteria provided, single submitter. Criteria: ACMG Guidelines, 2015. Collection method: clinical testing. Allele origin: germline. Inheritance: Autosomal dominant inheritance. Observed: 35 variant alleles, 35 heterozygotes.
Comment: This study involves interpretation of variants in research participants for the purpose of population health screening. Participant phenotype was not available at the time of variant classification. Additional details can be found in publication PMID: 35346344, PMCID: PMC8962531

CeGaT Center for Human Genetics Tuebingen
Classification: Likely benign. Last evaluated: 2024-01-01. Review status: criteria provided, single submitter. Criteria: CeGaT Center For Human Genetics Tuebingen Variant Classification Criteria Version 2. Collection method: clinical testing. Allele origin: germline. Affected: yes. Observed: 1 variant allele.
Comment: KCNQ1: BP4

GeneDx
Classification: Likely benign. Last evaluated: 2021-02-19. Review status: criteria provided, single submitter. Criteria: GeneDx Variant Classification Process June 2021. Collection method: clinical testing. Allele origin: germline. Affected: yes.

Color Diagnostics, LLC DBA Color Health
Classification: Likely benign for Arrhythmia. Last evaluated: 2018-11-16. Review status: criteria provided, single submitter. Criteria: ACMG Guidelines, 2015. Collection method: clinical testing. Allele origin: germline.

Illumina Laboratory Services, Illumina
Classification: Uncertain significance for Long QT syndrome 1. Last evaluated: 2018-01-12. Review status: criteria provided, single submitter. Criteria: ICSL Variant Classification Criteria 13 December 2019. Collection method: clinical testing. Allele origin: germline.

Illumina Laboratory Services, Illumina
Classification: Uncertain significance for Atrial fibrillation, familial, 3. Last evaluated: 2018-01-12. Review status: criteria provided, single submitter. Criteria: ICSL Variant Classification Criteria 13 December 2019. Collection method: clinical testing. Allele origin: germline.

Illumina Laboratory Services, Illumina
Classification: Benign for Short QT syndrome type 2. Last evaluated: 2018-01-12. Review status: criteria provided, single submitter. Criteria: ICSL Variant Classification Criteria 13 December 2019. Collection method: clinical testing. Allele origin: germline.
Comment: This variant was observed in the ICSL laboratory as part of a predisposition screen in an ostensibly healthy population. It had not been previously curated by ICSL or reported in the Human Gene Mutation Database (HGMD: prior to June 1st, 2018), and was therefore a candidate for classification through an automated scoring system. Utilizing variant allele frequency, disease prevalence and penetrance estimates, and inheritance mode, an automated score was calculated to assess if this variant is too frequent to cause the disease. Based on the score and internal cut-off values, a variant classified as benign is not then subjected to further curation. The score for this variant resulted in a classification of benign for this disease.

Illumina Laboratory Services, Illumina
Classification: Uncertain significance for Jervell and Lange-Nielsen syndrome 1. Last evaluated: 2018-01-12. Review status: criteria provided, single submitter. Criteria: ICSL Variant Classification Criteria 13 December 2019. Collection method: clinical testing. Allele origin: germline.